The following is an entry in ClinVar:

ClinVar aggregate classification (germline): Pathogenic/Likely pathogenic. Review status: criteria provided, multiple submitters, no conflicts (2 of 4 stars). 2 submissions from 2 submitters: Pathogenic (1); Likely pathogenic (1). Last evaluated 2026-06-29.

Conditions:
CEP290-related disorder. Also called: CEP290-related disorders; CEP290-related condition. Identifiers: MedGen CN239314.
Nephronophthisis. Also called: Juvenile Nephronophthisis. Identifiers: Orphanet 655, MedGen C0687120, MONDO:0019005, HP:0000090.
Meckel-Gruber syndrome. Also called: Dysencephalia splachnocystica; DYSENCEPHALIA SPLANCHNOCYSTICA; GRUBER SYNDROME. Identifiers: Orphanet 564, MedGen C0265215, MONDO:0018921.
Joubert syndrome. Also called: JOUBERT-BOLTSHAUSER SYNDROME; Familial aplasia of the vermis. Identifiers: Orphanet 475, MedGen C5979921, MONDO:0018772.

Submissions (2):

PreventionGenetics, part of Exact Sciences
Classification: Likely pathogenic for CEP290-related condition. Last evaluated: 2026-06-29. Review status: criteria provided, single submitter. Criteria: ACMG Guidelines, 2015. Collection method: clinical testing. Allele origin: germline.
Comment: The CEP290 c.7289_7292dupATTA variant is predicted to result in premature protein termination (p.Tyr2431*). To our knowledge, this variant has not been reported in the literature or in a large population database (gnomAD), indicating this variant is rare. This variant resides in the final exon of this gene, and it is unclear if the resulting mRNA would undergo nonsense-mediated decay. However, frameshift variants within this region have been reported in CEP290-related disorders (Brancati. 2007. PubMed ID: 17564967; Wang. 2015. PubMed ID: 24850569; Takahashi. 2019. PubMed ID: 31370859). This variant is interpreted as likely pathogenic.

Labcorp Genetics (formerly Invitae), Labcorp
Classification: Pathogenic for Joubert syndrome; Meckel-Gruber syndrome; Nephronophthisis. Last evaluated: 2022-08-23. Review status: criteria provided, single submitter. Criteria: Invitae Variant Classification Sherloc (09022015). Collection method: clinical testing. Allele origin: germline.
Comment: For these reasons, this variant has been classified as Pathogenic. This variant disrupts a region of the CEP290 protein in which other variant(s) (p.Leu2448Thrfs*8) have been determined to be pathogenic (PMID: 16682973, 16909394, 29588463). This suggests that this is a clinically significant region of the protein, and that variants that disrupt it are likely to be disease-causing. ClinVar contains an entry for this variant (Variation ID: 1076282). This variant has not been reported in the literature in individuals affected with CEP290-related conditions. This variant is not present in population databases (gnomAD no frequency). This sequence change creates a premature translational stop signal (p.Tyr2431*) in the CEP290 gene. While this is not anticipated to result in nonsense mediated decay, it is expected to disrupt the last 49 amino acid(s) of the CEP290 protein.

Literature cited by the submitters: PubMed 16682973 (cited by Labcorp Genetics (formerly Invitae), Labcorp); PubMed 16909394 (cited by Labcorp Genetics (formerly Invitae), Labcorp); PubMed 29588463 (cited by Labcorp Genetics (formerly Invitae), Labcorp).

NM_025114.4(CEP290):c.7289_7292dup (p.Tyr2431Ter)

Genes: RLIG1 (RNA 5'-phosphate and 3'-OH ligase 1; plus strand), CEP290 (centrosomal protein 290; minus strand). Cytogenetic location: 12q21.32.
Variant type: Duplication.
Coding change: c.7289_7292dup on transcript NM_025114.4 (MANE Select); coding-DNA positions 7289 to 7292, 4 bases duplicated (ATTA; older notation c.7289_7292dupATTA).
Protein change: p.Tyr2431Ter; replaces tyrosine 2431 with a stop codon.
Molecular consequence: nonsense. On other transcripts: 3 prime UTR variant (1).
Genome position (GRCh38, 1-based): chr12:88,049,332-88,049,335, TAAT duplicated on the plus strand (ATTA on the coding strand, the reverse complement: CEP290 is on the minus strand); duplicating any 4 consecutive bases within chr12:88,049,332-88,049,337 gives the same sequence; the c. name uses the placement nearest the transcript's 3' end. VCF-style (leftmost placement, unchanged base first): chr12-88049331-G-GTAAT. GRCh37 (hg19) VCF-style: chr12-88443108-G-GTAAT.
Other names: c.*912_*915dup (NM_001009894.3); c.7289_7292dupATTA (NM_025114.3); short protein forms Y2431*.
Identifiers: ClinVar variation 1076282 (VCV001076282.10), dbSNP rs2136546348, ClinGen allele CA2499221860.